The following is an entry in ClinVar:

ClinVar aggregate classification (germline): Pathogenic/Likely pathogenic. Review status: criteria provided, multiple submitters, no conflicts (2 of 4 stars). 4 submissions from 4 submitters: Pathogenic (3); Likely pathogenic (1). Last evaluated 2025-07-29.

Conditions:
Hereditary nonpolyposis colorectal neoplasms. Identifiers: MedGen C0009405, MeSH D003123.
Hereditary cancer-predisposing syndrome. Also called: Hereditary Cancer Syndrome; Neoplastic Syndromes, Hereditary; Hereditary neoplastic syndrome; Tumor predisposition. Identifiers: Orphanet 140162, MedGen C0027672, MeSH D009386, MONDO:0015356.
Endometrial carcinoma. Also called: Endometrial carcinoma, somatic. Identifiers: MedGen C0476089, MONDO:0002447, OMIM 608089, HP:0012114.
Lynch syndrome 5 (LYNCH5). Also called: Hereditary non-polyposis colorectal cancer, type 5; Colorectal cancer, hereditary nonpolyposis, type 5. Identifiers: Orphanet 144, MedGen C1833477, MONDO:0013710, OMIM 614350. Disease mechanism: loss of function.

Submissions (4):

Ambry Genetics
Classification: Pathogenic for Hereditary cancer-predisposing syndrome. Last evaluated: 2025-07-29. Review status: criteria provided, single submitter. Criteria: Ambry Variant Classification Scheme 2023. Collection method: clinical testing. Allele origin: germline.
Comment: The c.1751dupC pathogenic mutation, located in coding exon 4 of the MSH6 gene, results from a duplication of C at nucleotide position 1751, causing a translational frameshift with a predicted alternate stop codon (p.L585Sfs*13). This variant is considered to be rare based on population cohorts in the Genome Aggregation Database (gnomAD). This alteration is expected to result in loss of function by premature protein truncation or nonsense-mediated mRNA decay. As such, this alteration is interpreted as a disease-causing mutation.

Labcorp Genetics (formerly Invitae), Labcorp
Classification: Pathogenic for Hereditary nonpolyposis colorectal neoplasms. Last evaluated: 2025-02-05. Review status: criteria provided, single submitter. Criteria: Invitae Variant Classification Sherloc (09022015). Collection method: clinical testing. Allele origin: germline.
Comment: This sequence change creates a premature translational stop signal (p.Leu585Serfs*13) in the MSH6 gene. It is expected to result in an absent or disrupted protein product. Loss-of-function variants in MSH6 are known to be pathogenic (PMID: 18269114, 24362816). This variant is not present in population databases (gnomAD no frequency). This variant has not been reported in the literature in individuals affected with MSH6-related conditions. ClinVar contains an entry for this variant (Variation ID: 2034042). For these reasons, this variant has been classified as Pathogenic.

Myriad Genetics, Inc.
Classification: Pathogenic for Lynch syndrome 5. Last evaluated: 2023-08-15. Review status: criteria provided, single submitter. Criteria: Myriad Autosomal Dominant, Autosomal Recessive and X-Linked Classification Criteria (2023). Collection method: clinical testing. Allele origin: unknown.
Comment: This variant is considered pathogenic. This variant creates a frameshift predicted to result in premature protein truncation.

Baylor Genetics
Classification: Likely pathogenic for Endometrial carcinoma. Last evaluated: 2022-01-19. Review status: criteria provided, single submitter. Criteria: ACMG Guidelines, 2015. Collection method: clinical testing. Allele origin: unknown.

Literature cited by the submitters: PubMed 18269114 (cited by Labcorp Genetics (formerly Invitae), Labcorp); PubMed 24362816 (cited by Labcorp Genetics (formerly Invitae), Labcorp).

NM_000179.3(MSH6):c.1751dup (p.Leu585fs)

Gene: MSH6 (mutS homolog 6; plus strand). Cytogenetic location: 2p16.3.
Variant type: Duplication.
Coding change: c.1751dup on transcript NM_000179.3 (MANE Select); coding-DNA position 1751, one base duplicated (C; older notation c.1751dupC).
Protein change: p.Leu585fs; shifts the reading frame from leucine 585.
Molecular consequence: frameshift variant.
Genome position (GRCh38, 1-based): chr2:47,799,734, C duplicated. VCF-style (leftmost placement, unchanged base first): chr2-47799733-A-AC. GRCh37 (hg19) VCF-style: chr2-48026872-A-AC.
Other names: c.1361dup, p.Leu455fs (NM_001281492.2); c.845dup, p.Leu283fs (NM_001281493.2, NM_001281494.2); c.1847dup, p.Leu617Serfs (NM_001406795.1, NM_001406802.1); c.1751dup, p.Leu585Serfs (NM_001406796.1, NM_001406798.1, NM_001406800.1 and 3 more transcripts); c.1454dup, p.Leu486Serfs (NM_001406797.1, NM_001406801.1, NM_001406805.1 and 10 more transcripts); c.1226dup, p.Leu410Serfs (NM_001406799.1, NM_001406806.1, NM_001406807.1); c.1673dup, p.Leu559Serfs (NM_001406804.1); c.845dup, p.Leu283Serfs (NM_001406811.1, NM_001406812.1, NM_001406814.1 and 4 more transcripts); and 3 more; short protein forms L283fs, L455fs, L585fs.
Identifiers: ClinVar variation 2034042 (VCV002034042.7), dbSNP rs2530627868, ClinGen allele CA2580067688.